The following is an entry in ClinVar:

NM_000836.4(GRIN2D):c.2834G>A (p.Arg945Gln)

Gene: GRIN2D (glutamate ionotropic receptor NMDA type subunit 2D; plus strand). Cytogenetic location: 19q13.33.
Variant type: single nucleotide variant.
Coding change: c.2834G>A on transcript NM_000836.4 (MANE Select); coding-DNA position 2834, G replaced by A.
Protein change: p.Arg945Gln; replaces arginine 945 with glutamine.
Molecular consequence: missense variant.
Genome position (GRCh38, 1-based): chr19:48,442,760, G>A. VCF-style: chr19-48442760-G-A. GRCh37 (hg19) VCF-style: chr19-48946017-G-A.
Other names: short protein forms R945Q.
Identifiers: ClinVar variation 3714151 (VCV003714151.2).

ClinVar aggregate classification (germline): Uncertain significance (1 of 4 stars; one submission).

gnomAD v4.1: 12 of 1,077,918 alleles (0.0011%); highest among the groups gnomAD compares: Non-Finnish European, 0.0013%; no homozygotes.

Submission:

Labcorp Genetics (formerly Invitae), Labcorp
Classification: Uncertain significance. Last evaluated: 2025-05-01. Review status: criteria provided, single submitter. Criteria: Invitae Variant Classification Sherloc (09022015). Collection method: clinical testing. Allele origin: germline.
Comment: This sequence change replaces arginine, which is basic and polar, with glutamine, which is neutral and polar, at codon 945 of the GRIN2D protein (p.Arg945Gln). The frequency data for this variant in the population databases is considered unreliable, as metrics indicate insufficient coverage at this position in the gnomAD database. This variant has not been reported in the literature in individuals affected with GRIN2D-related conditions. ClinVar contains an entry for this variant (Variation ID: 3714151). Invitae Evidence Modeling of protein sequence and biophysical properties (such as structural, functional, and spatial information, amino acid conservation, physicochemical variation, residue mobility, and thermodynamic stability) indicates that this missense variant is not expected to disrupt GRIN2D protein function with a negative predictive value of 95%. In summary, the available evidence is currently insufficient to determine the role of this variant in disease. Therefore, it has been classified as a Variant of Uncertain Significance.